The following is an entry in ClinVar:

ClinVar aggregate classification (germline): Uncertain significance (1 of 4 stars; one submission).

Conditions:
Hereditary cancer-predisposing syndrome. Also called: Neoplastic Syndromes, Hereditary; Tumor predisposition; Hereditary Cancer Syndrome; Hereditary neoplastic syndrome. Identifiers: Orphanet 140162, MedGen C0027672, MeSH D009386, MONDO:0015356.

gnomAD v4.1: 1 of 1,558,546 alleles (0.000064%); highest among the groups gnomAD compares: Non-Finnish European, 0.000089%; no homozygotes.

Submission:

Ambry Genetics
Classification: Uncertain significance for Hereditary cancer-predisposing syndrome. Last evaluated: 2024-09-30. Review status: criteria provided, single submitter. Criteria: Ambry Variant Classification Scheme 2023. Collection method: clinical testing. Allele origin: germline.
Comment: The p.S787L variant (also known as c.2360C>T), located in coding exon 16 of the PDGFRA gene, results from a C to T substitution at nucleotide position 2360. The serine at codon 787 is replaced by leucine, an amino acid with dissimilar properties. This amino acid position is conserved. In addition, this alteration is predicted to be tolerated by in silico analysis. Based on the available evidence, the clinical significance of this variant remains unclear.

NM_006206.6(PDGFRA):c.2360C>T (p.Ser787Leu)

Gene: PDGFRA (platelet derived growth factor receptor alpha; plus strand). Cytogenetic location: 4q12.
Variant type: single nucleotide variant.
Coding change: c.2360C>T on transcript NM_006206.6 (MANE Select); coding-DNA position 2360, C replaced by T.
Protein change: p.Ser787Leu; replaces serine 787 with leucine.
Molecular consequence: missense variant.
Genome position (GRCh38, 1-based): chr4:54,285,407, C>T. VCF-style: chr4-54285407-C-T. GRCh37 (hg19) VCF-style: chr4-55151574-C-T.
Other names: c.2435C>T, p.Ser812Leu (NM_001347828.2); c.2360C>T, p.Ser787Leu (NM_001347829.2); c.2399C>T, p.Ser800Leu (NM_001347830.2); short protein forms S787L, S800L, S812L.
Identifiers: ClinVar variation 3416426 (VCV003416426.1).